The following is an entry in ClinVar:

ClinVar aggregate classification (germline): Benign/Likely benign. Review status: criteria provided, multiple submitters, no conflicts (2 of 4 stars). 5 submissions from 5 submitters: Benign (2); Likely benign (3). Last evaluated 2026-09-01.

Allele frequency attached by ClinVar (database versions not stated): 1000 Genomes Project 30x 0.00187; 1000 Genomes Project 0.00220; ExAC 0.00502; gnomAD 0.00528 and 0.00537; gnomAD exomes 0.00529; TOPMed 0.00614; ESP Exome Variant Server 0.00823.
gnomAD v4.1: 12,246 of 1,581,268 alleles (0.77%); highest among the groups gnomAD compares: Non-Finnish European, 0.94%; 55 homozygotes.

Submissions (5):

CeGaT Center for Human Genetics Tuebingen
Classification: Likely benign. Last evaluated: 2026-09-01. Review status: criteria provided, single submitter. Criteria: CeGaT Center For Human Genetics Tuebingen Variant Classification Criteria Version 2. Collection method: clinical testing. Allele origin: germline. Affected: yes. Observed: 23 variant alleles.
Comment: TARS2: BP4, BP7, BS2

Labcorp Genetics (formerly Invitae), Labcorp
Classification: Benign. Last evaluated: 2026-02-01. Review status: criteria provided, single submitter. Criteria: Invitae Variant Classification Sherloc (09022015). Collection method: clinical testing. Allele origin: germline.

Mayo Clinic Laboratories, Mayo Clinic
Classification: Benign. Last evaluated: 2020-01-09. Review status: criteria provided, single submitter. Criteria: ACMG Guidelines, 2015. Collection method: clinical testing. Allele origin: germline. Observed: 8 variant alleles.

GeneDx
Classification: Likely benign. Last evaluated: 2017-10-11. Review status: criteria provided, single submitter. Criteria: GeneDx Variant Classification (06012015). Collection method: clinical testing. Allele origin: germline. Affected: yes.
Comment: This variant is considered likely benign or benign based on one or more of the following criteria: it is a conservative change, it occurs at a poorly conserved position in the protein, it is predicted to be benign by multiple in silico algorithms, and/or has population frequency not consistent with disease.

Breakthrough Genomics
Classification: Likely benign. Review status: criteria provided, single submitter. Criteria: ACMG Guidelines, 2015. Collection method: not provided. Allele origin: germline. Inheritance: Autosomal recessive inheritance. Affected: yes.

NM_025150.5(TARS2):c.1251C>T (p.Ala417=)

Gene: TARS2 (threonyl-tRNA synthetase 2, mitochondrial; plus strand). Cytogenetic location: 1q21.2.
Variant type: single nucleotide variant.
Coding change: c.1251C>T on transcript NM_025150.5 (MANE Select); coding-DNA position 1251, C replaced by T.
Protein change: p.Ala417=; no amino-acid change (alanine 417 retained).
Molecular consequence: synonymous variant. On other transcripts: non-coding transcript variant (2).
Genome position (GRCh38, 1-based): chr1:150,498,514, C>T. VCF-style: chr1-150498514-C-T. GRCh37 (hg19) VCF-style: chr1-150470990-C-T.
Other names: p.Ala417=; c.1005C>T, p.Ala335= (NM_001271895.2); c.861C>T, p.Ala287= (NM_001271896.2).
Identifiers: ClinVar variation 380187 (VCV000380187.50), dbSNP rs41264465, ClinGen allele CA1076963.